The following is an entry in ClinVar:

NM_194454.3(KRIT1):c.1630dup (p.Tyr544fs)

Gene: KRIT1 (KRIT1 ankyrin repeat containing; minus strand). Cytogenetic location: 7q21.2.
Variant type: Duplication.
Coding change: c.1630dup on transcript NM_194454.3 (MANE Select); coding-DNA position 1630, one base duplicated (T; older notation c.1630dupT).
Protein change: p.Tyr544fs; shifts the reading frame from tyrosine 544.
Molecular consequence: frameshift variant.
Genome position (GRCh38, 1-based): chr7:92,214,711, A duplicated on the plus strand (T on the coding strand, the reverse complement: KRIT1 is on the minus strand); the first of 4 consecutive A bases (chr7:92,214,711-92,214,714); duplicating any one gives the same sequence. VCF-style (leftmost placement, unchanged base first): chr7-92214710-T-TA. GRCh37 (hg19) VCF-style: chr7-91844024-T-TA.
Other names: c.1486dup, p.Tyr496fs (NM_001350669.1, NM_001350670.1, NM_001013406.2); c.916dup, p.Tyr306fs (NM_001350671.1); c.1630dup, p.Tyr544fs (NM_001350672.1, NM_001350673.1, NM_001350674.1 and 26 more transcripts); short protein forms Y306fs, Y496fs, Y544fs.
Identifiers: ClinVar variation 4854420 (VCV004854420.1).

ClinVar aggregate classification (germline): Likely pathogenic (1 of 4 stars; one submission).

Conditions:
Cerebral cavernous malformation (CCM). Also called: Cavernous Hemangioma of Brain; CAVERNOUS ANGIOMA, FAMILIAL; CAVERNOUS ANGIOMATOUS MALFORMATIONS; CEREBRAL CAPILLARY MALFORMATIONS; Cerebral cavernous hemangioma (type); Cerebral cavernous malformations. Identifiers: Orphanet 221061, MedGen C2919945, MONDO:0000820, OMIM 116860, HP:0033522.

Submission:

3billion
Classification: Likely pathogenic for Cerebral cavernous malformation. Last evaluated: 2025-09-20. Review status: criteria provided, single submitter. Criteria: ACMG Guidelines, 2015. Collection method: clinical testing. Allele origin: germline. Affected: yes.
Comment: The variant is not observed in the gnomAD v4.1.0 dataset. Predicted Consequence/Location: Frameshift: predicted to result in a loss or disruption of normal protein function through nonsense-mediated decay (NMD) or protein truncation. Multiple pathogenic variants are reported downstream of the variant. Therefore, this variant is classified as Likely pathogenic according to the recommendation of ACMG/AMP guideline.